The following is an entry in ClinVar:

ClinVar aggregate classification (germline): Uncertain significance (1 of 4 stars; one submission).

Submission:

GeneDx
Classification: Uncertain significance. Last evaluated: 2024-11-21. Review status: criteria provided, single submitter. Criteria: GeneDx Variant Classification Process June 2021. Collection method: clinical testing. Allele origin: germline. Affected: yes.
Comment: Not observed at significant frequency in large population cohorts (gnomAD); In silico analysis indicates that this missense variant does not alter protein structure/function; Has not been previously published as pathogenic or benign to our knowledge

NM_002397.5(MEF2C):c.1243G>C (p.Glu415Gln)

Genes: MEF2C (myocyte enhancer factor 2C; minus strand), MEF2C-AS2 (MEF2C antisense RNA 2; plus strand). Cytogenetic location: 5q14.3.
Variant type: single nucleotide variant.
Coding change: c.1243G>C on transcript NM_002397.5 (MANE Select); coding-DNA position 1243, G replaced by C.
Protein change: p.Glu415Gln; replaces glutamic acid 415 with glutamine.
Molecular consequence: missense variant. On other transcripts: non-coding transcript variant (1).
Genome position (GRCh38, 1-based): chr5:88,722,783, C>G on the plus strand (G>C on the coding strand, the complement: MEF2C is on the minus strand). VCF-style: chr5-88722783-C-G. GRCh37 (hg19) VCF-style: chr5-88018600-C-G.
Other names: c.1213G>C, p.Glu405Gln (NM_001131005.2); c.1273G>C, p.Glu425Gln (NM_001193347.1); c.1075G>C, p.Glu359Gln (NM_001193348.1); c.1003G>C, p.Glu335Gln (NM_001193349.3, NM_001364332.2); c.1243G>C, p.Glu415Gln (NM_001193350.2, NM_001364329.2, NM_001364330.2 and 1 more transcripts); c.1219G>C, p.Glu407Gln (NM_001308002.3, NM_001364333.2); c.1147G>C, p.Glu383Gln (NM_001363581.2, NM_001364334.2, NM_001364335.2 and 2 more transcripts); c.1177G>C, p.Glu393Gln (NM_001364338.2); and 10 more; short protein forms E233Q, E257Q, E289Q, E335Q, E359Q, E367Q, E373Q, E375Q.
Identifiers: ClinVar variation 3900095 (VCV003900095.1).
Genomic context (GRCh38, chr5:88,722,783, plus strand): 5'-CGCTCCCGTCGTACGAACTGCTACAGCTGCTCAAGCTGTCAACAGGAGATCTCCCCGCCT[C>G]GTGGCGCGTGTGTTGTGGGTATCTCGAAGGGGTGGTGGTACGGTCTCTAGGAGGAGAAAC-3'
Protein context (NP_002388.2, residues 405-425): PSRYPQHTRH[Glu415Gln]AGRSPVDSLS